The following is an entry in ClinVar:

ClinVar aggregate classification (germline): Likely pathogenic (1 of 4 stars; one submission).

Conditions:
Dilated cardiomyopathy 1G (CMD1G). Identifiers: Orphanet 154, MedGen C1858763, MONDO:0011400, OMIM 604145.
Autosomal recessive limb-girdle muscular dystrophy type 2J (LGMDR10). Also called: Limb-girdle muscular dystrophy, type 2J; MUSCULAR DYSTROPHY, LIMB-GIRDLE, AUTOSOMAL RECESSIVE 10. Identifiers: Orphanet 140922, MedGen C1837342, MONDO:0012127, OMIM 608807.

Submission:

Labcorp Genetics (formerly Invitae), Labcorp
Classification: Likely pathogenic for Dilated cardiomyopathy 1G; Autosomal recessive limb-girdle muscular dystrophy type 2J. Last evaluated: 2023-12-06. Review status: criteria provided, single submitter. Criteria: Invitae Variant Classification Sherloc (09022015). Collection method: clinical testing. Allele origin: germline.
Comment: This sequence change creates a premature translational stop signal (p.Gln34021*) in the TTN gene. While this is not anticipated to result in nonsense mediated decay, it is expected to create a truncated TTN protein. This variant is not present in population databases (gnomAD no frequency). This variant has not been reported in the literature in individuals affected with TTN-related conditions. ClinVar contains an entry for this variant (Variation ID: 404847). This variant is located in the M band of TTN (PMID: 25589632). Truncating variants in this region have been previously reported in individuals affected with autosomal recessive myopathy and muscular dystrophy (PMID: 18948003, 23975875, 24395473). Truncating variants in this region have also been identified in individuals affected with autosomal dominant dilated cardiomyopathy and/or cardio-related conditions (PMID: 27869827, 32964742). In summary, the currently available evidence indicates that the variant is pathogenic, but additional data are needed to prove that conclusively. Therefore, this variant has been classified as Likely Pathogenic.

Literature cited by the submitters: PubMed 25589632; PubMed 18948003; PubMed 23975875; PubMed 24395473; PubMed 27869827; PubMed 32964742.

NM_001267550.2(TTN):c.102061C>T (p.Gln34021Ter)

Genes: TTN-AS1 (TTN antisense RNA 1; plus strand), TTN (titin; minus strand). Cytogenetic location: 2q31.2.
Variant type: single nucleotide variant.
Coding change: c.102061C>T on transcript NM_001267550.2 (MANE Select); coding-DNA position 102061, C replaced by T.
Protein change: p.Gln34021Ter; replaces glutamine 34021 with a stop codon.
Molecular consequence: nonsense.
Genome position (GRCh38, 1-based): chr2:178,534,554, G>A on the plus strand (C>T on the coding strand, the complement: TTN is on the minus strand). VCF-style: chr2-178534554-G-A. GRCh37 (hg19) VCF-style: chr2-179399281-G-A.
Other names: c.97138C>T, p.Gln32380Ter (NM_001256850.1); c.74866C>T, p.Gln24956Ter (NM_003319.4); c.94357C>T, p.Gln31453Ter (NM_133378.4); c.75241C>T, p.Gln25081Ter (NM_133432.3); c.75442C>T, p.Gln25148Ter (NM_133437.4); short protein forms Q34021*, Q32380*, Q24956*, Q25081*, Q25148*, Q31453*.
Identifiers: ClinVar variation 404847 (VCV000404847.10), dbSNP rs1060500471, ClinGen allele CA16610212.